The following is an entry in ClinVar:

NM_000486.6(AQP2):c.97_119del (p.Asn33fs)

Gene: AQP2 (aquaporin 2; plus strand). Cytogenetic location: 12q13.12.
Variant type: Deletion.
Coding change: c.97_119del on transcript NM_000486.6 (MANE Select); coding-DNA positions 97 to 119, 23 bases deleted (AACTGGCCACAGGCCCTGCCCTC).
Protein change: p.Asn33fs; shifts the reading frame from asparagine 33.
Molecular consequence: frameshift variant.
Genome position (GRCh38, 1-based): chr12:49,950,927-49,950,949, AACTGGCCACAGGCCCTGCCCTC deleted; deleting any 23 consecutive bases within chr12:49,950,919-49,950,949 gives the same sequence; the c. name uses the placement nearest the transcript's 3' end. VCF-style (leftmost placement, unchanged base first): chr12-49950918-TCTGCCCTCAACTGGCCACAGGCC-T. GRCh37 (hg19) VCF-style: chr12-50344701-TCTGCCCTCAACTGGCCACAGGCC-T.
Other names: c.97_119delAACTGGCCACAGGCCCTGCCCTC (NM_000486.5); short protein forms N33fs.
Identifiers: ClinVar variation 446862 (VCV000446862.10), dbSNP rs772201159, ClinGen allele CA6559143.

ClinVar aggregate classification (germline): Pathogenic/Likely pathogenic. Review status: criteria provided, multiple submitters, no conflicts (2 of 4 stars). 5 submissions from 5 submitters: Pathogenic (2); Likely pathogenic (3). Last evaluated 2025-08-21.

Conditions:
AQP2-related nephrogenic diabetes insipidus.
Nephrogenic diabetes insipidus. Identifiers: Orphanet 223, MedGen C0162283, MONDO:0016383, HP:0009806.
Diabetes insipidus, nephrogenic, autosomal (NDI2). Also called: Nephrogenic Diabetes Insipidus, Type II; Diabetes insipidus, nephrogenic, 2, autosomal. Identifiers: Orphanet 223, MedGen C1563706, MONDO:0007451, OMIM 125800.

Submissions (5):

Natera, Inc.
Classification: Likely pathogenic for Nephrogenic diabetes insipidus. Last evaluated: 2025-08-21. Review status: criteria provided, single submitter. Criteria: Natera Variant Classification Schema (03/2026). Collection method: clinical testing. Allele origin: germline.
Comment: The c.97_119delAACTGGCCACAGGCCCTGCCCTC variant in AQP2 is a frameshift variant predicted to shift the reading frame beginning at codon 33 and leads to a stop codon 66 codons downstream. This variant is expected to result in nonsense mediated decay, truncation, or a dysfunctional protein product. This variant is rare in the general population with a frequency below the threshold expected for the associated phenotype(s). Given the available evidence, this variant is classified as Likely Pathogenic.

Rady Children's Institute for Genomic Medicine, Rady Children's Hospital San Diego
Classification: Pathogenic for AQP2-related nephrogenic diabetes insipidus. Last evaluated: 2025-01-14. Review status: criteria provided, single submitter. Criteria: ACMG Guidelines, 2015. Collection method: clinical testing. Allele origin: germline. Affected: yes.
Comment: This frameshifting variant in exon 1 of 4 is predicted to result in loss of normal protein function through either protein truncation or nonsense-mediated mRNA decay. Loss-of-function variation in AQP2 is an established mechanism for autosomal recessive disease (PMID: 20301356). This variant has not been previously reported or functionally characterized in the literature to our knowledge. The c.97_119del (p.Asn33CysfsTer66) variant is present in the latest version of the gnomAD population database at an allele frequency of 0.0001% (1/1614206) and thus is presumed to be rare. Based on the available evidence, c.97_119del (p.Asn33CysfsTer66) is classified as Pathogenic.

Fulgent Genetics
Classification: Likely pathogenic for Diabetes insipidus, nephrogenic, autosomal. Last evaluated: 2022-02-02. Review status: criteria provided, single submitter. Criteria: ACMG Guidelines, 2015. Collection method: clinical testing. Allele origin: unknown.

Labcorp Genetics (formerly Invitae), Labcorp
Classification: Pathogenic. Last evaluated: 2021-03-11. Review status: criteria provided, single submitter. Criteria: Invitae Variant Classification Sherloc (09022015). Collection method: clinical testing. Allele origin: germline.
Comment: This variant has not been reported in the literature in individuals with AQP2-related conditions. ClinVar contains an entry for this variant (Variation ID: 446862). The frequency data for this variant in the population databases is considered unreliable, as metrics indicate poor data quality at this position in the ExAC database. This sequence change creates a premature translational stop signal (p.Asn33Cysfs*66) in the AQP2 gene. It is expected to result in an absent or disrupted protein product. Loss-of-function variants in AQP2 are known to be pathogenic (PMID: 9024277, 27156763). For these reasons, this variant has been classified as Pathogenic.

Athena Diagnostics
Classification: Likely pathogenic. Last evaluated: 2016-11-11. Review status: criteria provided, single submitter. Criteria: Athena Diagnostics Criteria. Collection method: clinical testing. Allele origin: germline.

Literature cited by the submitters: PubMed 20301356 (cited by Rady Children's Institute for Genomic Medicine, Rady Children's Hospital San Diego); PubMed 9024277 (cited by Labcorp Genetics (formerly Invitae), Labcorp); PubMed 27156763 (cited by Labcorp Genetics (formerly Invitae), Labcorp).